The following is an entry in ClinVar:

ClinVar aggregate classification (germline): Uncertain significance. Review status: criteria provided, multiple submitters, no conflicts (2 of 4 stars). 2 submissions from 2 submitters: Uncertain significance (2). Last evaluated 2023-05-08.

Conditions:
Joubert syndrome 17 (JBTS17). Identifiers: Orphanet 475, MedGen C3553264, MONDO:0013824, OMIM 614615.

Allele frequency attached by ClinVar (database versions not stated): gnomAD exomes below 0.00001 and 0.00001; TOPMed 0.00001.
gnomAD v4.1: 17 of 1,613,386 alleles (0.0011%); highest among the groups gnomAD compares: Admixed American, 0.0017%; no homozygotes.

Submissions (2):

Labcorp Genetics (formerly Invitae), Labcorp
Classification: Uncertain significance. Last evaluated: 2023-05-08. Review status: criteria provided, single submitter. Criteria: Invitae Variant Classification Sherloc (09022015). Collection method: clinical testing. Allele origin: germline.
Comment: This variant is present in population databases (rs765017990, gnomAD 0.003%). This sequence change replaces cysteine, which is neutral and slightly polar, with tyrosine, which is neutral and polar, at codon 1717 of the CPLANE1 protein (p.Cys1717Tyr). This variant has not been reported in the literature in individuals affected with CPLANE1-related conditions. In summary, the available evidence is currently insufficient to determine the role of this variant in disease. Therefore, it has been classified as a Variant of Uncertain Significance. Advanced modeling of protein sequence and biophysical properties (such as structural, functional, and spatial information, amino acid conservation, physicochemical variation, residue mobility, and thermodynamic stability) performed at Invitae indicates that this missense variant is not expected to disrupt CPLANE1 protein function. ClinVar contains an entry for this variant (Variation ID: 907869).

Illumina Laboratory Services, Illumina
Classification: Uncertain significance for Joubert syndrome 17. Last evaluated: 2018-01-12. Review status: criteria provided, single submitter. Criteria: ICSL Variant Classification Criteria 13 December 2019. Collection method: clinical testing. Allele origin: germline.

NM_001384732.1(CPLANE1):c.5150G>A (p.Cys1717Tyr)

Gene: CPLANE1 (ciliogenesis and planar polarity effector complex subunit 1; minus strand). Cytogenetic location: 5p13.2.
Variant type: single nucleotide variant.
Coding change: c.5150G>A on transcript NM_001384732.1 (MANE Select); coding-DNA position 5150, G replaced by A.
Protein change: p.Cys1717Tyr; replaces cysteine 1717 with tyrosine.
Molecular consequence: missense variant.
Genome position (GRCh38, 1-based): chr5:37,183,031, C>T on the plus strand (G>A on the coding strand, the complement: CPLANE1 is on the minus strand). VCF-style: chr5-37183031-C-T. GRCh37 (hg19) VCF-style: chr5-37183133-C-T.
Other names: c.5150G>A, p.Cys1717Tyr (NM_023073.4); short protein forms C1717Y.
Identifiers: ClinVar variation 907869 (VCV000907869.11), dbSNP rs765017990, ClinGen allele CA117068910.